The following is an entry in ClinVar:

ClinVar aggregate classification (germline): Likely benign. Review status: criteria provided, single submitter (1 of 4 stars). 2 submissions from 2 submitters: Likely benign (1). 1 of the submissions does not count toward it. Last evaluated 2025-12-25.

Conditions:
FBN3-related disorder. Also called: FBN3-related condition.

Allele frequency attached by ClinVar (database versions not stated): gnomAD exomes 0.00053 and 0.00101; ExAC 0.00055; 1000 Genomes Project 0.00060; 1000 Genomes Project 30x 0.00062; gnomAD 0.00068 and 0.00081; ESP Exome Variant Server 0.00085; TOPMed 0.00085.
gnomAD v4.1: 1,552 of 1,583,692 alleles (0.098%); highest among the groups gnomAD compares: Non-Finnish European, 0.12%; 2 homozygotes.

Submissions (2):

Labcorp Genetics (formerly Invitae), Labcorp
Classification: Likely benign. Last evaluated: 2025-12-25. Review status: criteria provided, single submitter. Criteria: Invitae Variant Classification Sherloc (09022015). Collection method: clinical testing. Allele origin: germline.

PreventionGenetics, part of Exact Sciences
Classification: Likely benign for FBN3-related condition. Last evaluated: 2019-05-21. Review status: no assertion criteria provided. Collection method: clinical testing. Allele origin: germline. Not counted in ClinVar's aggregate classification.
Comment: This variant is classified as likely benign based on ACMG/AMP sequence variant interpretation guidelines (Richards et al. 2015 PMID: 25741868, with internal and published modifications).

NM_032447.5(FBN3):c.6620-5C>T

Gene: FBN3 (fibrillin 3; minus strand). Cytogenetic location: 19p13.2.
Variant type: single nucleotide variant.
Coding change: c.6620-5C>T on transcript NM_032447.5 (MANE Select); 5 bases into the intron before coding-DNA position 6620, C replaced by T.
Molecular consequence: intron variant.
Genome position (GRCh38, 1-based): chr19:8,087,216, G>A on the plus strand (C>T on the coding strand, the complement: FBN3 is on the minus strand). VCF-style: chr19-8087216-G-A. GRCh37 (hg19) VCF-style: chr19-8152100-G-A.
Other names: c.6620-5C>T (NM_001321431.1, NM_001321431.2).
Identifiers: ClinVar variation 713584 (VCV000713584.11), dbSNP rs201864390, ClinGen allele CA9151196.